The following is an entry in ClinVar:

ClinVar aggregate classification (germline): Conflicting classifications of pathogenicity. Review status: criteria provided, conflicting classifications (1 of 4 stars). 3 submissions from 2 submitters: Uncertain significance (1); Benign (2). Last evaluated 2018-01-13.

Conditions:
Maturity-onset diabetes of the young type 1. Also called: MILD JUVENILE DIABETES MELLITUS; MODY, type I; MODY type 1; Diabetes mellitus MODY type 1; MODY HNF4A related; HNF4A-Related Maturity-Onset Diabetes of the Young Type 1. Identifiers: Orphanet 552, MedGen C1852093, MONDO:0007452, OMIM 125850. Disease mechanism: loss of function.
Maturity-onset diabetes of the young (MODY). Also called: Maturity onset diabetes mellitus in young. Identifiers: Orphanet 552, MedGen C0342276, MONDO:0018911, HP:0004904.
Familial hyperinsulinism. Also called: Congenital hyperinsulinism. Identifiers: Orphanet 276525, MedGen C3888018, MONDO:0017182. Disease mechanism: loss of function.

Allele frequency attached by ClinVar (database versions not stated): TOPMed 0.00138; 1000 Genomes Project 30x 0.00172; gnomAD 0.00191; 1000 Genomes Project 0.00200.
gnomAD v4.1: 417 of 1,452,424 alleles (0.029%); highest among the groups gnomAD compares: African/African-American, 0.47%; 1 homozygote.

Submissions (3):

Illumina Laboratory Services, Illumina
Classification: Benign for Maturity-onset diabetes of the young type 1. Last evaluated: 2018-01-13. Review status: criteria provided, single submitter. Criteria: ICSL Variant Classification Criteria 13 December 2019. Collection method: clinical testing. Allele origin: germline.
Comment: This variant was observed in the ICSL laboratory as part of a predisposition screen in an ostensibly healthy population. It had not been previously curated by ICSL or reported in the Human Gene Mutation Database (HGMD: prior to June 1st, 2018), and was therefore a candidate for classification through an automated scoring system. Utilizing variant allele frequency, disease prevalence and penetrance estimates, and inheritance mode, an automated score was calculated to assess if this variant is too frequent to cause the disease. Based on the score and internal cut-off values, a variant classified as benign is not then subjected to further curation. The score for this variant resulted in a classification of benign for this disease.

Illumina Laboratory Services, Illumina
Classification: Uncertain significance for Familial hyperinsulinism. Last evaluated: 2018-01-13. Review status: criteria provided, single submitter. Criteria: ICSL Variant Classification Criteria 13 December 2019. Collection method: clinical testing. Allele origin: germline.

Clinical Genomics, Uppaluri K&H Personalized Medicine Clinic
Classification: Benign for Maturity-onset diabetes of the young. Review status: criteria provided, single submitter. Criteria: K & H Uppaluri Personalized Medicine Clinic Variant Classification & Assertion Criteria_Updated V.1. Collection method: research. Allele origin: unknown. Inheritance: Autosomal dominant inheritance.
Comment: Potent mutations in HNF4A are associated with poor insulin secretion in response to hyperglycemia. Associated with MODY1. Patients initially respond well to sulfonylureas but eventually become insulin dependent. However, more evidence is required to ascertain the role of this particular variant rs11574743 in MODY, yet.

Literature cited by the submitters: PubMed 18268044 (cited by Clinical Genomics, Uppaluri K&H Personalized Medicine Clinic); PubMed 17563455 (cited by Clinical Genomics, Uppaluri K&H Personalized Medicine Clinic); PubMed 32583173 (cited by Clinical Genomics, Uppaluri K&H Personalized Medicine Clinic); PubMed 35052457 (cited by Clinical Genomics, Uppaluri K&H Personalized Medicine Clinic); PubMed 35118593 (cited by Clinical Genomics, Uppaluri K&H Personalized Medicine Clinic); DOI 10.1159/000334532 (cited by Clinical Genomics, Uppaluri K&H Personalized Medicine Clinic).

NM_175914.5(HNF4A):c.*76G>A

Gene: HNF4A (hepatocyte nuclear factor 4 alpha; plus strand). Cytogenetic location: 20q13.12.
Variant type: single nucleotide variant.
Coding change: c.*76G>A on transcript NM_175914.5 (MANE Select); 76 bases downstream of the stop codon, G replaced by A.
Molecular consequence: 3 prime UTR variant.
Genome position (GRCh38, 1-based): chr20:44,429,741, G>A. VCF-style: chr20-44429741-G-A. GRCh37 (hg19) VCF-style: chr20-43058381-G-A.
Other names: c.*76G>A (NM_000457.6, NM_001030003.3, NM_001258355.2 and 3 more transcripts).
Identifiers: ClinVar variation 338431 (VCV000338431.6), dbSNP rs11574743, ClinGen allele CA10652528.